The following is an entry in ClinVar:

ClinVar aggregate classification (germline): Uncertain significance. Review status: criteria provided, multiple submitters, no conflicts (2 of 4 stars). 2 submissions from 2 submitters: Uncertain significance (2). Last evaluated 2023-06-02.

Allele frequency attached by ClinVar (database versions not stated): gnomAD exomes 0.00001.
gnomAD v4.1: 17 of 1,613,844 alleles (0.0011%); highest among the groups gnomAD compares: Non-Finnish European, 0.0014%; no homozygotes.

Submissions (2):

Blueprint Genetics
Classification: Uncertain significance. Last evaluated: 2023-06-02. Review status: criteria provided, single submitter. Criteria: ACMG Guidelines, 2015. Collection method: clinical testing. Allele origin: germline.

Labcorp Genetics (formerly Invitae), Labcorp
Classification: Uncertain significance. Last evaluated: 2022-10-13. Review status: criteria provided, single submitter. Criteria: Invitae Variant Classification Sherloc (09022015). Collection method: clinical testing. Allele origin: germline.
Comment: This sequence change replaces aspartic acid, which is acidic and polar, with histidine, which is basic and polar, at codon 1940 of the ADGRV1 protein (p.Asp1940His). This variant is present in population databases (no rsID available, gnomAD 0.0009%). This variant has not been reported in the literature in individuals affected with ADGRV1-related conditions. Advanced modeling of protein sequence and biophysical properties (such as structural, functional, and spatial information, amino acid conservation, physicochemical variation, residue mobility, and thermodynamic stability) performed at Invitae indicates that this missense variant is not expected to disrupt ADGRV1 protein function. In summary, the available evidence is currently insufficient to determine the role of this variant in disease. Therefore, it has been classified as a Variant of Uncertain Significance.

NM_032119.4(ADGRV1):c.5818G>C (p.Asp1940His)

Gene: ADGRV1 (adhesion G protein-coupled receptor V1; plus strand). Cytogenetic location: 5q14.3.
Variant type: single nucleotide variant.
Coding change: c.5818G>C on transcript NM_032119.4 (MANE Select); coding-DNA position 5818, G replaced by C.
Protein change: p.Asp1940His; replaces aspartic acid 1940 with histidine.
Molecular consequence: missense variant. On other transcripts: non-coding transcript variant (1).
Genome position (GRCh38, 1-based): chr5:90,683,739, G>C. VCF-style: chr5-90683739-G-C. GRCh37 (hg19) VCF-style: chr5-89979556-G-C.
Other names: short protein forms D1940H.
Identifiers: ClinVar variation 1943098 (VCV001943098.3), dbSNP rs1329042352, ClinGen allele CA360413449.